The following is an entry in ClinVar:

ClinVar aggregate classification (germline): Likely benign. Review status: criteria provided, multiple submitters, no conflicts (2 of 4 stars). 2 submissions from 2 submitters: Likely benign (2). Last evaluated 2025-05-19.

Conditions:
Bardet-Biedl syndrome (BBS). Identifiers: Orphanet 110, MedGen C0752166, MONDO:0015229.

Allele frequency attached by ClinVar (database versions not stated): ExAC 0.00003; gnomAD exomes 0.00003 and 0.00005; TOPMed 0.00005; gnomAD 0.00006; ESP Exome Variant Server 0.00008.
gnomAD v4.1: 78 of 1,614,056 alleles (0.0048%); highest among the groups gnomAD compares: Non-Finnish European, 0.0064%; no homozygotes.

Submissions (2):

Labcorp Genetics (formerly Invitae), Labcorp
Classification: Likely benign for Bardet-Biedl syndrome. Last evaluated: 2025-05-19. Review status: criteria provided, single submitter. Criteria: Invitae Variant Classification Sherloc (09022015). Collection method: clinical testing. Allele origin: germline.

GeneDx
Classification: Likely benign. Last evaluated: 2017-04-28. Review status: criteria provided, single submitter. Criteria: GeneDx Variant Classification (06012015). Collection method: clinical testing. Allele origin: germline. Affected: yes.
Comment: This variant is considered likely benign or benign based on one or more of the following criteria: it is a conservative change, it occurs at a poorly conserved position in the protein, it is predicted to be benign by multiple in silico algorithms, and/or has population frequency not consistent with disease.

NM_012210.4(TRIM32):c.1662T>C (p.Ser554=)

Genes: ASTN2 (astrotactin 2; minus strand), TRIM32 (tripartite motif containing 32; plus strand). Cytogenetic location: 9q33.1.
Variant type: single nucleotide variant.
Coding change: c.1662T>C on transcript NM_012210.4 (MANE Select); coding-DNA position 1662, T replaced by C.
Protein change: p.Ser554=; no amino-acid change (serine 554 retained).
Molecular consequence: synonymous variant. On other transcripts: intron variant (3).
Genome position (GRCh38, 1-based): chr9:116,699,404, T>C. VCF-style: chr9-116699404-T-C. GRCh37 (hg19) VCF-style: chr9-119461683-T-C.
Other names: c.1662T>C, p.Ser554= (NM_001099679.2, NM_001379048.1, NM_001379049.1 and 1 more transcripts); c.2653+26367A>G (NM_014010.5); c.2794+26367A>G (NM_001365069.1); c.2806+26367A>G (NM_001365068.1).
Identifiers: ClinVar variation 509288 (VCV000509288.9), dbSNP rs372044621, ClinGen allele CA5211189.
Genomic context (GRCh38, chr9:116,699,404, plus strand): 5'-CCTCAATCTGGAGAATCGGCAGAATGAGCACCACCTGGAGGGTGGCTTTTCCATTGGCTC[T>C]GTAGGCCCTGATGGGCAGCTGGGTCGCCAGATTAGCCACTTCTTCTCGGAGAATGAGGAT-3'
Protein context (NP_036342.2, residues 544-564): HHLEGGFSIG[Ser554=]VGPDGQLGRQ